The following is an entry in ClinVar:

ClinVar aggregate classification (germline): Pathogenic. Review status: criteria provided, multiple submitters, no conflicts (2 of 4 stars). 5 submissions from 5 submitters: Pathogenic (2). 3 of the submissions do not count toward it. Last evaluated 2023-09-19.

Conditions:
Charcot-Marie-Tooth disease. Also called: Charcot-Marie-Tooth Hereditary Neuropathy; Charcot-Marie-Tooth Neuropathy. Identifiers: Orphanet 166, MedGen C0007959, MONDO:0015626.
Charcot-Marie-Tooth disease dominant intermediate B (CMTDIB). Also called: CHARCOT-MARIE-TOOTH NEUROPATHY, DOMINANT INTERMEDIATE B; Charcot-Marie-Tooth disease dominant intermediate 1; CMT DI1; Charcot-Marie-Tooth disease dominant intermediate I. Identifiers: Orphanet 100044, Orphanet 228179, MedGen C1847902, MONDO:0011674, OMIM 606482.

Allele frequency attached by ClinVar (database versions not stated): TOPMed below 0.00001.

Submissions (5):

GeneDx
Classification: Pathogenic. Last evaluated: 2023-09-19. Review status: criteria provided, single submitter. Criteria: GeneDx Variant Classification Process June 2021. Collection method: clinical testing. Allele origin: germline.
Comment: Not observed at significant frequency in large population cohorts (gnomAD); Missense variants in this gene are often considered pathogenic (HGMD); In silico analysis supports that this missense variant has a deleterious effect on protein structure/function; This variant is associated with the following publications: (PMID: 34758253, 33979205, Renwick2016[Review], 22091729, 28251916)

Labcorp Genetics (formerly Invitae), Labcorp
Classification: Pathogenic for Charcot-Marie-Tooth disease dominant intermediate B. Last evaluated: 2022-10-24. Review status: criteria provided, single submitter. Criteria: Invitae Variant Classification Sherloc (09022015). Collection method: clinical testing. Allele origin: germline.
Comment: This missense change has been observed in individual(s) with autosomal dominant Charcot-Marie-Tooth disease (PMID: 22091729). It has also been observed to segregate with disease in related individuals. ClinVar contains an entry for this variant (Variation ID: 637072). Advanced modeling of protein sequence and biophysical properties (such as structural, functional, and spatial information, amino acid conservation, physicochemical variation, residue mobility, and thermodynamic stability) has been performed at Invitae for this missense variant, however the output from this modeling did not meet the statistical confidence thresholds required to predict the impact of this variant on DNM2 protein function. For these reasons, this variant has been classified as Pathogenic. This variant is not present in population databases (gnomAD no frequency). This sequence change replaces methionine, which is neutral and non-polar, with threonine, which is neutral and polar, at codon 580 of the DNM2 protein (p.Met580Thr).

Inherited Neuropathy Consortium Ii, University Of Miami
Classification: Uncertain significance for Charcot-Marie-Tooth disease dominant intermediate B. Last evaluated: 2016-01-06. Review status: no assertion criteria provided. Collection method: literature only. Allele origin: germline. Affected: yes. Not counted in ClinVar's aggregate classification.

Genomics England Pilot Project, Genomics England
Classification: Pathogenic for Charcot-Marie-Tooth disease dominant intermediate B. Review status: no assertion criteria provided. Criteria: ACGS Guidelines, 2016. Collection method: clinical testing. Allele origin: germline. Affected: yes. Not counted in ClinVar's aggregate classification.

Inherited Neuropathy Consortium
Classification: Uncertain significance for Charcot-Marie-Tooth disease. Review status: no assertion criteria provided. Collection method: literature only. Allele origin: germline. Affected: yes. Not counted in ClinVar's aggregate classification.

Literature cited by the submitters: PubMed 22091729 (cited by 3 submitters).

NM_001005361.3(DNM2):c.1739T>C (p.Met580Thr)

Gene: DNM2 (dynamin 2; plus strand). Cytogenetic location: 19p13.2.
Variant type: single nucleotide variant.
Coding change: c.1739T>C on transcript NM_001005361.3 (MANE Select); coding-DNA position 1739, T replaced by C.
Protein change: p.Met580Thr; replaces methionine 580 with threonine.
Molecular consequence: missense variant.
Genome position (GRCh38, 1-based): chr19:10,820,047, T>C. VCF-style: chr19-10820047-T-C. GRCh37 (hg19) VCF-style: chr19-10930723-T-C.
Other names: c.1739T>C, p.Met580Thr (NM_001005360.3, NM_001190716.2); c.1727T>C, p.Met576Thr (NM_001005362.3, NM_004945.4); short protein forms M580T, M576T.
Identifiers: ClinVar variation 637072 (VCV000637072.10), dbSNP rs1269225724, ClinGen allele CA404040449.
Genomic context (GRCh38, chr19:10,820,047, plus strand): 5'-AGAAGAAGTACATGCTGCCTCTGGACAACCTCAAGATCCGTGATGTGGAGAAGGGCTTCA[T>C]GTCCAACAAGCACGTCTTCGCCATCTTCAACACGGAGCAGAGGTGAGGGGCCCAGGGGCC-3'
Protein context (NP_001005361.1, residues 570-590): LKIRDVEKGF[Met580Thr]SNKHVFAIFN